The following is an entry in ClinVar:

ClinVar aggregate classification (germline): Uncertain significance (1 of 4 stars; one submission).

Conditions:
Inborn genetic diseases. Identifiers: MedGen C0950123, MeSH D030342.

gnomAD v4.1: 10 of 1,614,038 alleles (0.00062%); highest among the groups gnomAD compares: Non-Finnish European, 0.00085%; no homozygotes.

Submission:

Ambry Genetics
Classification: Uncertain significance for Inborn genetic diseases. Last evaluated: 2025-08-31. Review status: criteria provided, single submitter. Criteria: Ambry Variant Classification Scheme 2023. Collection method: clinical testing. Allele origin: germline.
Comment: The p.W7C variant (also known as c.21G>T), located in coding exon 1 of the HEXA gene, results from a G to T substitution at nucleotide position 21. The tryptophan at codon 7 is replaced by cysteine, an amino acid with highly dissimilar properties. This amino acid position is conserved. In addition, the in silico prediction for this alteration is inconclusive. Based on the available evidence, the clinical significance of this variant remains unclear.

NM_000520.6(HEXA):c.21G>T (p.Trp7Cys)

Gene: HEXA (hexosaminidase subunit alpha; minus strand). Cytogenetic location: 15q23.
Variant type: single nucleotide variant.
Coding change: c.21G>T on transcript NM_000520.6 (MANE Select); coding-DNA position 21, G replaced by T.
Protein change: p.Trp7Cys; replaces tryptophan 7 with cysteine.
Molecular consequence: missense variant. On other transcripts: non-coding transcript variant (1).
Genome position (GRCh38, 1-based): chr15:72,375,952, C>A on the plus strand (G>T on the coding strand, the complement: HEXA is on the minus strand). VCF-style: chr15-72375952-C-A. GRCh37 (hg19) VCF-style: chr15-72668293-C-A.
Other names: c.21G>T, p.Trp7Cys (NM_001318825.2); short protein forms W7C.
Identifiers: ClinVar variation 4270443 (VCV004270443.1).